The following is an entry in ClinVar:

ClinVar aggregate classification (germline): Uncertain significance. Review status: criteria provided, multiple submitters, no conflicts (2 of 4 stars). 2 submissions from 2 submitters: Uncertain significance (2). Last evaluated 2025-07-03.

Conditions:
Hereditary cancer-predisposing syndrome. Also called: Neoplastic Syndromes, Hereditary; Hereditary Cancer Syndrome; Tumor predisposition; Hereditary neoplastic syndrome. Identifiers: Orphanet 140162, MedGen C0027672, MeSH D009386, MONDO:0015356.

Allele frequency attached by ClinVar (database versions not stated): gnomAD 0.00001.
gnomAD v4.1: 1 of 1,614,030 alleles (0.000062%); highest among the groups gnomAD compares: Admixed American, 0.0017%; no homozygotes.

Submissions (2):

Ambry Genetics
Classification: Uncertain significance for Hereditary cancer-predisposing syndrome. Last evaluated: 2025-07-03. Review status: criteria provided, single submitter. Criteria: Ambry Variant Classification Scheme 2023. Collection method: clinical testing. Allele origin: germline.
Comment: The p.S609F variant (also known as c.1826C>T), located in coding exon 17 of the POLE gene, results from a C to T substitution at nucleotide position 1826. The serine at codon 609 is replaced by phenylalanine, an amino acid with highly dissimilar properties. This amino acid position is conserved. In addition, this alteration is predicted to be tolerated by in silico analysis. Based on the available evidence, the clinical significance of this variant remains unclear.

Labcorp Genetics (formerly Invitae), Labcorp
Classification: Uncertain significance. Last evaluated: 2025-03-31. Review status: criteria provided, single submitter. Criteria: Invitae Variant Classification Sherloc (09022015). Collection method: clinical testing. Allele origin: germline.
Comment: This sequence change replaces serine, which is neutral and polar, with phenylalanine, which is neutral and non-polar, at codon 609 of the POLE protein (p.Ser609Phe). This variant is not present in population databases (gnomAD no frequency). This variant has not been reported in the literature in individuals affected with POLE-related conditions. ClinVar contains an entry for this variant (Variation ID: 1477427). Invitae Evidence Modeling of protein sequence and biophysical properties (such as structural, functional, and spatial information, amino acid conservation, physicochemical variation, residue mobility, and thermodynamic stability) indicates that this missense variant is not expected to disrupt POLE protein function with a negative predictive value of 80%. In summary, the available evidence is currently insufficient to determine the role of this variant in disease. Therefore, it has been classified as a Variant of Uncertain Significance.

NM_006231.4(POLE):c.1826C>T (p.Ser609Phe)

Gene: POLE (DNA polymerase epsilon, catalytic subunit; minus strand). Cytogenetic location: 12q24.33.
Variant type: single nucleotide variant.
Coding change: c.1826C>T on transcript NM_006231.4 (MANE Select); coding-DNA position 1826, C replaced by T.
Protein change: p.Ser609Phe; replaces serine 609 with phenylalanine.
Molecular consequence: missense variant.
Genome position (GRCh38, 1-based): chr12:132,668,908, G>A on the plus strand (C>T on the coding strand, the complement: POLE is on the minus strand). VCF-style: chr12-132668908-G-A. GRCh37 (hg19) VCF-style: chr12-133245494-G-A.
Other names: c.1826C>T (NM_006231.2); short protein forms S609F.
Identifiers: ClinVar variation 1477427 (VCV001477427.9), dbSNP rs2042861896, ClinGen allele CA387355575.
Genomic context (GRCh38, chr12:132,668,908, plus strand): 5'-GCCCCCACGTCCAGGTGGTAGATGAGTGGACACTCGATGCGGCTGGGAACGTCCTTCAGG[G>A]AGGCAAGCTTGCTCTTAATCTCATCACACACCTGCAGAGAAAGCGAAACTCAGTAGAGGC-3'
Protein context (NP_006222.2, residues 599-619): VCDEIKSKLA[Ser609Phe]LKDVPSRIEC